The following is an entry in ClinVar:

ClinVar aggregate classification (germline): Uncertain significance. Review status: criteria provided, multiple submitters, no conflicts (2 of 4 stars). 2 submissions from 2 submitters: Uncertain significance (2). Last evaluated 2015-08-26.

Allele frequency attached by ClinVar (database versions not stated): gnomAD exomes 0.00003 and 0.00002; gnomAD 0.00013 and 0.00014; 1000 Genomes Project 0.00020; 1000 Genomes Project 30x 0.00031; ExAC 0.00003; TOPMed 0.00012.
gnomAD v4.1: 49 of 1,613,634 alleles (0.003%); highest among the groups gnomAD compares: African/African-American, 0.059%; no homozygotes.

Submissions (2):

Center for Pediatric Genomic Medicine, Children's Mercy Hospital and Clinics
Classification: Uncertain significance. Last evaluated: 2015-08-26. Review status: criteria provided, single submitter. Criteria: ACMG Guidelines, 2015. Collection method: clinical testing. Allele origin: germline.
ClinVar note: Converted during submission from Uncertain Significance to Uncertain significance.

Eurofins Ntd Llc (ga)
Classification: Uncertain significance. Last evaluated: 2013-07-26. Review status: criteria provided, single submitter. Criteria: EGL Classification Definitions 2015. Collection method: clinical testing. Allele origin: germline. Observed: 1 variant allele, 1 heterozygote.

NM_170707.4(LMNA):c.1874G>C (p.Ser625Thr)

Gene: LMNA (lamin A/C; plus strand). Cytogenetic location: 1q22.
Variant type: single nucleotide variant.
Coding change: c.1874G>C on transcript NM_170707.4 (MANE Select); coding-DNA position 1874, G replaced by C.
Protein change: p.Ser625Thr; replaces serine 625 with threonine.
Molecular consequence: missense variant. On other transcripts: intron variant (1).
Genome position (GRCh38, 1-based): chr1:156,138,663, G>C. VCF-style: chr1-156138663-G-C. GRCh37 (hg19) VCF-style: chr1-156108454-G-C.
Other names: c.1538G>C, p.Ser513Thr (NM_001257374.3); c.1784G>C, p.Ser595Thr (NM_170708.4); c.1818+56G>C (NM_001282626.2); short protein forms S595T, S625T, S513T.
Identifiers: ClinVar variation 96531 (VCV000096531.8), dbSNP rs398124551, ClinGen allele CA015276.